The following is an entry in ClinVar:

NC_000022.11:g.40345676G>C

Gene: ADSL (adenylosuccinate lyase; plus strand). Cytogenetic location: 22q13.1.
Variant type: single nucleotide variant.
Genome position: GRCh38 VCF-style: chr22-40345676-G-C. GRCh37 (hg19) VCF-style: chr22-40741680-G-C.
Identifiers: ClinVar variation 1900841 (VCV001900841.3), dbSNP rs1018543619, ClinGen allele CA324446361.
Genomic context (GRCh38, chr22:40,345,676, plus strand): 5'-TTCTATTTATTTATTTAATTCTTTTATTTTTTGGAGACGGAGTCTCGCTCTGTCGCCCAG[G>C]CTGGAGTGCAGTGGCGCGATCTTGGCTCACTGCAACCTCCGCCTTCCGGGTTCAAGAAAT-3'

ClinVar aggregate classification (germline): Uncertain significance (1 of 4 stars; one submission).

Conditions:
Adenylosuccinate lyase deficiency (ADSLD). Also called: ADSL DEFICIENCY. Identifiers: Orphanet 46, MedGen C0268126, MONDO:0007068, OMIM 103050.

Submission:

Labcorp Genetics (formerly Invitae), Labcorp
Classification: Uncertain significance for Adenylosuccinate lyase deficiency. Last evaluated: 2022-05-29. Review status: criteria provided, single submitter. Criteria: Invitae Variant Classification Sherloc (09022015). Collection method: clinical testing. Allele origin: germline.
Comment: This variant occurs in a non-coding region of the ADSL gene. It does not change the encoded amino acid sequence of the ADSL protein. This variant is present in population databases (no rsID available, gnomAD 0.05%). This variant has not been reported in the literature in individuals affected with ADSL-related conditions. Experimental studies and prediction algorithms are not available or were not evaluated, and the functional significance of this variant is currently unknown. In summary, the available evidence is currently insufficient to determine the role of this variant in disease. Therefore, it has been classified as a Variant of Uncertain Significance.